The following is an entry in ClinVar:

NM_001364905.1(LRBA):c.116T>C (p.Leu39Pro)

Gene: LRBA (LPS responsive beige-like anchor protein; minus strand). Cytogenetic location: 4q31.3.
Variant type: single nucleotide variant.
Coding change: c.116T>C on transcript NM_001364905.1 (MANE Select); coding-DNA position 116, T replaced by C.
Protein change: p.Leu39Pro; replaces leucine 39 with proline.
Molecular consequence: missense variant.
Genome position (GRCh38, 1-based): chr4:151,014,527, A>G on the plus strand (T>C on the coding strand, the complement: LRBA is on the minus strand). VCF-style: chr4-151014527-A-G. GRCh37 (hg19) VCF-style: chr4-151935679-A-G.
Other names: c.116T>C, p.Leu39Pro (NM_001199282.3, NM_001367550.1, NM_006726.5); short protein forms L39P.
Identifiers: ClinVar variation 664761 (VCV000664761.11), dbSNP rs1345711760, ClinGen allele CA358610973.

ClinVar aggregate classification (germline): Uncertain significance. Review status: criteria provided, multiple submitters, no conflicts (2 of 4 stars). 2 submissions from 2 submitters: Uncertain significance (2). Last evaluated 2025-04-20.

Conditions:
Combined immunodeficiency due to LRBA deficiency. Also called: Common variable immunodeficiency 8, with autoimmunity. Identifiers: Orphanet 445018, MedGen C3553512, MONDO:0013863, OMIM 614700.

Allele frequency attached by ClinVar (database versions not stated): gnomAD exomes below 0.00001; gnomAD 0.00001.
gnomAD v4.1: 2 of 1,614,004 alleles (0.00012%); highest among the groups gnomAD compares: East Asian, 0.0045%; no homozygotes.

Submissions (2):

Clinical Genomics Laboratory, Washington University in St. Louis
Classification: Uncertain significance for Combined immunodeficiency due to LRBA deficiency. Last evaluated: 2025-04-20. Review status: criteria provided, single submitter. Criteria: ACMG Guidelines, 2015. Collection method: clinical testing. Allele origin: germline.
Comment: An LRBA c.116T>C (p.Leu39Pro) variant was identified in a heterozygous state. This variant, to our knowledge, has not been reported in the medical literature. It has been reported in the ClinVar database as a germline variant of uncertain significance by one submitter (ClinVar variation ID: 664761). It is only observed on 2/282,598 alleles in the general population (gnomAD v.2.1.1), indicating it is not a common variant. Computational predictors suggest that the variant does not impact LRBA function. Due to limited information, and based on ACMG/AMP guidelines for variant interpretation (Richards S et al., PMID: 25741868), the clinical significance of this variant is uncertain at this time.

Labcorp Genetics (formerly Invitae), Labcorp
Classification: Uncertain significance for Combined immunodeficiency due to LRBA deficiency. Last evaluated: 2019-07-15. Review status: criteria provided, single submitter. Criteria: Invitae Variant Classification Sherloc (09022015). Collection method: clinical testing. Allele origin: germline.
Comment: This sequence change replaces leucine with proline at codon 39 of the LRBA protein (p.Leu39Pro). The leucine residue is weakly conserved and there is a moderate physicochemical difference between leucine and proline. This variant is not present in population databases (ExAC no frequency). In summary, the available evidence is currently insufficient to determine the role of this variant in disease. Therefore, it has been classified as a Variant of Uncertain Significance. Algorithms developed to predict the effect of missense changes on protein structure and function are either unavailable or do not agree on the potential impact of this missense change (SIFT: "Tolerated"; PolyPhen-2: "Possibly Damaging"; Align-GVGD: "Class C0"). This variant has not been reported in the literature in individuals with LRBA-related disease.